The following is an entry in ClinVar:

NM_001377.3(DYNC2H1):c.9092G>A (p.Trp3031Ter)

Gene: DYNC2H1 (dynein cytoplasmic 2 heavy chain 1; plus strand). Cytogenetic location: 11q22.3.
Variant type: single nucleotide variant.
Coding change: c.9092G>A on transcript NM_001377.3 (MANE Select); coding-DNA position 9092, G replaced by A.
Protein change: p.Trp3031Ter; replaces tryptophan 3031 with a stop codon.
Molecular consequence: nonsense.
Genome position (GRCh38, 1-based): chr11:103,220,768, G>A. VCF-style: chr11-103220768-G-A. GRCh37 (hg19) VCF-style: chr11-103091497-G-A.
Other names: c.9092G>A, p.Trp3031Ter (NM_001080463.2); short protein forms W3031*.
Identifiers: ClinVar variation 5013365 (VCV005013365.1).

ClinVar aggregate classification (germline): Pathogenic (1 of 4 stars; one submission).

Conditions:
Asphyxiating thoracic dystrophy 3. Also called: Saldino-Noonan Syndrome; SHORT-RIB THORACIC DYSPLASIA 3 WITH OR WITHOUT POLYDACTYLY; POLYDACTYLY WITH NEONATAL CHONDRODYSTROPHY, TYPE I; SHORT-RIB THORACIC DYSPLASIA 3/6 WITH POLYDACTYLY, DIGENIC; Short rib polydactyly syndrome 2B. Identifiers: Orphanet 474, Orphanet 93269, Orphanet 93270, Orphanet 93271, MedGen C0036069, MONDO:0013127, OMIM 613091.

Submission:

Myriad Genetics, Inc.
Classification: Pathogenic for Asphyxiating thoracic dystrophy 3. Last evaluated: 2024-07-25. Review status: criteria provided, single submitter. Criteria: Myriad Autosomal Dominant, Autosomal Recessive and X-Linked Classification Criteria (2023). Collection method: clinical testing. Allele origin: unknown.
Comment: NM_001377.2(DYNC2H1):c.9092G>A(W3031*) is expected to be pathogenic in the context of DYNC2H1-related disorders. This variant is predicted to lead to an abnormal or absent protein product due to the creation of a premature termination codon in DYNC2H1, a gene where loss-of-function variants are known to be pathogenic. Please note: this variant was assessed in the context of healthy population screening.